The following is an entry in ClinVar:

NM_003737.4(DCHS1):c.7712C>T (p.Thr2571Ile)

Gene: DCHS1 (dachsous cadherin-related 1; minus strand). Cytogenetic location: 11p15.4.
Variant type: single nucleotide variant.
Coding change: c.7712C>T on transcript NM_003737.4 (MANE Select); coding-DNA position 7712, C replaced by T.
Protein change: p.Thr2571Ile; replaces threonine 2571 with isoleucine.
Molecular consequence: missense variant.
Genome position (GRCh38, 1-based): chr11:6,623,964, G>A on the plus strand (C>T on the coding strand, the complement: DCHS1 is on the minus strand). VCF-style: chr11-6623964-G-A. GRCh37 (hg19) VCF-style: chr11-6645195-G-A.
Other names: short protein forms T2571I.
Identifiers: ClinVar variation 3673831 (VCV003673831.2).

ClinVar aggregate classification (germline): Uncertain significance (1 of 4 stars; one submission).

gnomAD v4.1: 1 of 1,609,456 alleles (0.000062%); highest among the groups gnomAD compares: Admixed American, 0.0017%; no homozygotes.

Submission:

Labcorp Genetics (formerly Invitae), Labcorp
Classification: Uncertain significance. Last evaluated: 2024-05-18. Review status: criteria provided, single submitter. Criteria: Invitae Variant Classification Sherloc (09022015). Collection method: clinical testing. Allele origin: germline.
Comment: This sequence change replaces threonine, which is neutral and polar, with isoleucine, which is neutral and non-polar, at codon 2571 of the DCHS1 protein (p.Thr2571Ile). This variant is not present in population databases (gnomAD no frequency). This variant has not been reported in the literature in individuals affected with DCHS1-related conditions. Advanced modeling of protein sequence and biophysical properties (such as structural, functional, and spatial information, amino acid conservation, physicochemical variation, residue mobility, and thermodynamic stability) performed at Invitae indicates that this missense variant is not expected to disrupt DCHS1 protein function with a negative predictive value of 80%. In summary, the available evidence is currently insufficient to determine the role of this variant in disease. Therefore, it has been classified as a Variant of Uncertain Significance.